The following is an entry in ClinVar:

ClinVar aggregate classification (germline): Uncertain significance (1 of 4 stars; one submission).

Conditions:
Pierson syndrome. Also called: MICROCORIA-CONGENITAL NEPHROTIC SYNDROME. Identifiers: Orphanet 2670, MedGen C1836876, MONDO:0012184, OMIM 609049.
LAMB2-related infantile-onset nephrotic syndrome. Also called: Nephrotic Syndrome, type 5; NEPHROTIC SYNDROME, TYPE 5, WITHOUT OCULAR ABNORMALITIES; NEPHROTIC SYNDROME, TYPE 5, WITH OCULAR ABNORMALITIES. Identifiers: Orphanet 306507, MedGen C3280113, MONDO:0013621, OMIM 614199.

Submission:

Labcorp Genetics (formerly Invitae), Labcorp
Classification: Uncertain significance for LAMB2-related infantile-onset nephrotic syndrome; Pierson syndrome. Last evaluated: 2022-01-06. Review status: criteria provided, single submitter. Criteria: Invitae Variant Classification Sherloc (09022015). Collection method: clinical testing. Allele origin: germline.
Comment: This sequence change replaces serine, which is neutral and polar, with threonine, which is neutral and polar, at codon 1472 of the LAMB2 protein (p.Ser1472Thr). This variant is not present in population databases (gnomAD no frequency). This variant has not been reported in the literature in individuals affected with LAMB2-related conditions. ClinVar contains an entry for this variant (Variation ID: 644453). Algorithms developed to predict the effect of missense changes on protein structure and function (SIFT, PolyPhen-2, Align-GVGD) all suggest that this variant is likely to be tolerated. In summary, the available evidence is currently insufficient to determine the role of this variant in disease. Therefore, it has been classified as a Variant of Uncertain Significance.

NM_002292.4(LAMB2):c.4415G>C (p.Ser1472Thr)

Gene: LAMB2 (laminin subunit beta 2; minus strand). Cytogenetic location: 3p21.31.
Variant type: single nucleotide variant.
Coding change: c.4415G>C on transcript NM_002292.4 (MANE Select); coding-DNA position 4415, G replaced by C.
Protein change: p.Ser1472Thr; replaces serine 1472 with threonine.
Molecular consequence: missense variant.
Genome position (GRCh38, 1-based): chr3:49,122,862, C>G on the plus strand (G>C on the coding strand, the complement: LAMB2 is on the minus strand). VCF-style: chr3-49122862-C-G. GRCh37 (hg19) VCF-style: chr3-49160295-C-G.
Other names: short protein forms S1472T.
Identifiers: ClinVar variation 644453 (VCV000644453.5), dbSNP rs1377720264, ClinGen allele CA352693150.
Genomic context (GRCh38, chr3:49,122,862, plus strand): 5'-TGGGCCCGCTGCTGTGCCTCGCTTGCCTGCCGACGAGTCTCAGCCACTCTGCTGAGGATG[C>G]TACCACCTTCTGCCAGTGCCCGCTGCAGCTCTGCCTGTGTGTGCCGGGCCCGGCCCAGTG-3'
Protein context (NP_002283.3, residues 1462-1482): ELQRALAEGG[Ser1472Thr]ILSRVAETRR